The following is an entry in ClinVar:

ClinVar aggregate classification (germline): Uncertain significance. Review status: criteria provided, multiple submitters, no conflicts (2 of 4 stars). 6 submissions from 6 submitters: Uncertain significance (6). Last evaluated 2026-03-24.

Conditions:
Colorectal cancer. Also called: Colorectal cancer, somatic; Malignant Colorectal Neoplasm. Identifiers: MedGen C0346629, MONDO:0005575, OMIM 114500.
Oligodontia-cancer predisposition syndrome. Also called: TOOTH AGENESIS-COLORECTAL CANCER SYNDROME. Identifiers: Orphanet 300576, MedGen C1837750, MONDO:0012075, OMIM 608615. Disease mechanism: loss of function.
Hereditary cancer-predisposing syndrome. Also called: Tumor predisposition; Hereditary Cancer Syndrome; Neoplastic Syndromes, Hereditary; Hereditary neoplastic syndrome. Identifiers: Orphanet 140162, MedGen C0027672, MeSH D009386, MONDO:0015356.

Allele frequency attached by ClinVar (database versions not stated): gnomAD 0.00003; TOPMed 0.00001.
gnomAD v4.1: 7 of 1,614,090 alleles (0.00043%); highest among the groups gnomAD compares: African/African-American, 0.0027%; no homozygotes.

Submissions (6):

Ambry Genetics
Classification: Uncertain significance for Hereditary cancer-predisposing syndrome. Last evaluated: 2026-03-24. Review status: criteria provided, single submitter. Criteria: Ambry Variant Classification Scheme 2023. Collection method: clinical testing. Allele origin: germline.
Comment: The p.G203R variant (also known as c.607G>A), located in coding exon 1 of the AXIN2 gene, results from a G to A substitution at nucleotide position 607. The glycine at codon 203 is replaced by arginine, an amino acid with dissimilar properties. This amino acid position is highly conserved in available vertebrate species. In addition, the in silico prediction for this alteration is inconclusive. Based on the available evidence, the clinical significance of this variant remains unclear.

Labcorp Genetics (formerly Invitae), Labcorp
Classification: Uncertain significance for Oligodontia-cancer predisposition syndrome. Last evaluated: 2025-10-27. Review status: criteria provided, single submitter. Criteria: Invitae Variant Classification Sherloc (09022015). Collection method: clinical testing. Allele origin: germline.
Comment: This sequence change replaces glycine, which is neutral and non-polar, with arginine, which is basic and polar, at codon 203 of the AXIN2 protein (p.Gly203Arg). This variant is present in population databases (rs62640027, gnomAD 0.004%). This variant has not been reported in the literature in individuals affected with AXIN2-related conditions. ClinVar contains an entry for this variant (Variation ID: 663311). Invitae Evidence Modeling of protein sequence and biophysical properties (such as structural, functional, and spatial information, amino acid conservation, physicochemical variation, residue mobility, and thermodynamic stability) indicates that this missense variant is expected to disrupt AXIN2 protein function with a positive predictive value of 80%. In summary, the available evidence is currently insufficient to determine the role of this variant in disease. Therefore, it has been classified as a Variant of Uncertain Significance.

Baylor Genetics
Classification: Uncertain significance for Colorectal cancer. Last evaluated: 2023-10-10. Review status: criteria provided, single submitter. Criteria: ACMG Guidelines, 2015. Collection method: clinical testing. Allele origin: unknown.

Quest Diagnostics Nichols Institute San Juan Capistrano
Classification: Uncertain significance. Last evaluated: 2023-06-22. Review status: criteria provided, single submitter. Criteria: Quest Diagnostics criteria. Collection method: clinical testing. Allele origin: unknown.
Comment: To the best of our knowledge, this variant has not been reported in the published literature. The frequency of this variant in the general population, 0.000011 (3/282848 chromosomes (Genome Aggregation Database)), is uninformative in the assessment of its pathogenicity. Analysis of this variant using bioinformatics tools for the prediction of the effect of amino acid changes on protein structure and function yielded conflicting predictions that this variant is benign or damaging. Based on the available information, we are unable to determine the clinical significance of this variant.

GeneDx
Classification: Uncertain significance. Last evaluated: 2023-02-24. Review status: criteria provided, single submitter. Criteria: GeneDx Variant Classification Process June 2021. Collection method: clinical testing. Allele origin: germline. Affected: yes.
Comment: Not observed at significant frequency in large population cohorts (gnomAD); In silico analysis supports that this missense variant has a deleterious effect on protein structure/function; Has not been previously published as pathogenic or benign to our knowledge

Sema4
Classification: Uncertain significance for Hereditary cancer-predisposing syndrome. Last evaluated: 2021-11-02. Review status: criteria provided, single submitter. Criteria: Sema4 Curation Guidelines. Collection method: curation. Allele origin: germline.
Comment: The AXIN2 c.607G>A (p.G203R) variant has not been reported in the literature to our knowledge. It was observed in 1/24968 chromosomes of the African/African American subpopulation in the large and broad cohorts of the Genome Aggregation Database (PMID: 32461654). This variant has been reported in ClinVar (Variation ID 663311). Functional studies have not been performed, and in silico predictions of the variant's effect on protein function are inconclusive. The evidence is insufficient to meet ACMG/AMP criteria for classifying the variant as benign or pathogenic. Thus, the clinical significance of this variant is currently uncertain.

NM_004655.4(AXIN2):c.607G>A (p.Gly203Arg)

Gene: AXIN2 (axin 2; minus strand). Cytogenetic location: 17q24.1.
Variant type: single nucleotide variant.
Coding change: c.607G>A on transcript NM_004655.4 (MANE Select); coding-DNA position 607, G replaced by A.
Protein change: p.Gly203Arg; replaces glycine 203 with arginine.
Molecular consequence: missense variant.
Genome position (GRCh38, 1-based): chr17:65,558,014, C>T on the plus strand (G>A on the coding strand, the complement: AXIN2 is on the minus strand). VCF-style: chr17-65558014-C-T. GRCh37 (hg19) VCF-style: chr17-63554132-C-T.
Other names: c.607G>A (LRG_296t1); c.607G>A, p.Gly203Arg (NM_001363813.1); short protein forms G203R.
Identifiers: ClinVar variation 663311 (VCV000663311.17), dbSNP rs62640027, ClinGen allele CA293107152.